The following is an entry in ClinVar:

NM_001367721.1(CASK):c.1015+1G>A

Gene: CASK (calcium/calmodulin dependent serine protein kinase; minus strand). Cytogenetic location: Xp11.4.
Variant type: single nucleotide variant.
Coding change: c.1015+1G>A on transcript NM_001367721.1 (MANE Select); the canonical splice donor site of the intron after coding-DNA position 1015, G replaced by A.
Molecular consequence: splice donor variant.
Genome position (GRCh38, 1-based): chrX:41,626,603, C>T on the plus strand (G>A on the coding strand, the complement: CASK is on the minus strand). VCF-style: chrX-41626603-C-T. GRCh37 (hg19) VCF-style: chrX-41485856-C-T.
Other names: c.1015+1G>A (NM_001126055.3, NM_001410745.1, NM_001126054.3 and 1 more transcripts).
Identifiers: ClinVar variation 2446196 (VCV002446196.2), dbSNP rs1569350501, ClinGen allele CA412993828.

ClinVar aggregate classification (germline): Pathogenic. Review status: criteria provided, multiple submitters, no conflicts (2 of 4 stars). 2 submissions from 2 submitters: Pathogenic (2). Last evaluated 2024-12-19.

Conditions:
Syndromic X-linked intellectual disability Najm type (MICPCH). Also called: Mental retardation and microcephaly with pontine and cerebellar hypoplasia; MENTAL RETARDATION, X-LINKED, SYNDROMIC, NAJM TYPE; Intellectual Disability and Microcephaly with Pontine and Cerebellar Hypoplasia (MICPCH); Intellectual Disability and Microcephaly with Pontine and Cerebellar Hypoplasia; MICPCH SYNDROME; Intellectual developmental disorder and microcephaly with pontine and cerebellar hypoplasia. Identifiers: Orphanet 163937, MedGen C2677903, MONDO:0010417, OMIM 300749.

Submissions (2):

3billion
Classification: Pathogenic for Syndromic X-linked intellectual disability Najm type. Last evaluated: 2024-12-19. Review status: criteria provided, single submitter. Criteria: ACMG Guidelines, 2015. Collection method: clinical testing. Allele origin: germline. Affected: yes.
Comment: The variant is not observed in the gnomAD v4.1.0 dataset. Predicted Consequence/Location: Canonical splice site: predicted to alter splicing and result in a loss or disruption of normal protein function. Multiple pathogenic loss-of-function variants are reported downstream of the variant. In silico tools predict the variant to alter splicing and produce an abnormal transcript [SpliceAI: 0.99 (spliceogenicity >=0.2, non-spliceogenicity <0.1)]. The variant has been reported to be associated with CASK-related disorder (ClinVar ID: VCV002446196 /PMID: 34085948). Therefore, this variant is classified as Pathogenic according to the recommendation of ACMG/AMP guideline.

GeneDx
Classification: Pathogenic. Last evaluated: 2023-03-21. Review status: criteria provided, single submitter. Criteria: GeneDx Variant Classification Process June 2021. Collection method: clinical testing. Allele origin: germline. Affected: yes.
Comment: Not observed at significant frequency in large population cohorts (gnomAD); Canonical splice site variant predicted to result in a null allele in a gene for which loss of function is a known mechanism of disease; This variant is associated with the following publications: (PMID: 34085948)

Literature cited by the submitters: PubMed 34085948 (cited by 3billion).